The following is an entry in ClinVar:

ClinVar aggregate classification (germline): Benign/Likely benign. Review status: criteria provided, multiple submitters, no conflicts (2 of 4 stars). 16 submissions from 16 submitters: Benign (8); Likely benign (7). 1 of the submissions does not count toward it. Last evaluated 2026-09-01.

Conditions:
Inborn genetic diseases. Identifiers: MedGen C0950123, MeSH D030342.
Cohen syndrome (COH1). Also called: PEPPER SYNDROME; Cutis verticis gyrata, retinitis pigmentosa, and sensorineural deafness. Identifiers: Orphanet 193, MedGen C0265223, MONDO:0008999, OMIM 216550.

Allele frequency attached by ClinVar (database versions not stated): 1000 Genomes Project 0.00439; 1000 Genomes Project 30x 0.00468; gnomAD 0.00637 and 0.00658; TOPMed 0.00672; ESP Exome Variant Server 0.00792; gnomAD exomes 0.00801 and 0.00875; ExAC 0.00811.
gnomAD v4.1: 13,795 of 1,613,934 alleles (0.85%); highest among the groups gnomAD compares: Middle Eastern, 1.2%; 72 homozygotes.

Submissions (16):

CeGaT Center for Human Genetics Tuebingen
Classification: Benign. Last evaluated: 2026-09-01. Review status: criteria provided, single submitter. Criteria: CeGaT Center For Human Genetics Tuebingen Variant Classification Criteria Version 2. Collection method: clinical testing. Allele origin: germline. Affected: yes. Observed: 32 variant alleles.
Comment: VPS13B: BP4, BS1, BS2

Labcorp Genetics (formerly Invitae), Labcorp
Classification: Benign for Cohen syndrome. Last evaluated: 2026-02-04. Review status: criteria provided, single submitter. Criteria: Invitae Variant Classification Sherloc (09022015). Collection method: clinical testing. Allele origin: germline.

Women's Health and Genetics/Laboratory Corporation of America, LabCorp
Classification: Likely benign. Last evaluated: 2026-01-22. Review status: criteria provided, single submitter. Criteria: LabCorp Variant Classification Summary - May 2015. Collection method: clinical testing. Allele origin: germline.

Blueprint Genetics
Classification: Likely benign. Last evaluated: 2024-11-26. Review status: criteria provided, single submitter. Criteria: ACMG Guidelines, 2015. Collection method: clinical testing. Allele origin: germline.

Mayo Clinic Laboratories, Mayo Clinic
Classification: Benign. Last evaluated: 2024-09-19. Review status: criteria provided, single submitter. Criteria: ACMG Guidelines, 2015. Collection method: clinical testing. Allele origin: germline. Observed: 18 variant alleles.
Comment: BS1, BS2, BP1, BP4

Genome-Nilou Lab
Classification: Likely benign for Cohen syndrome. Last evaluated: 2021-05-18. Review status: criteria provided, single submitter. Criteria: ACMG Guidelines, 2015. Collection method: clinical testing. Allele origin: germline. Affected: no.

GeneDx
Classification: Benign. Last evaluated: 2019-10-14. Review status: criteria provided, single submitter. Criteria: GeneDx Variant Classification Process June 2021. Collection method: clinical testing. Allele origin: germline. Affected: yes.
Comment: In silico analysis supports that this missense variant does not alter protein structure/function; Has not been previously published as pathogenic or benign to our knowledge

Institute of Human Genetics, University of Leipzig Medical Center
Classification: Likely benign for Cohen syndrome. Last evaluated: 2019-01-01. Review status: criteria provided, single submitter. Criteria: ACMG Guidelines, 2015. Collection method: clinical testing. Allele origin: unknown. Affected: yes.

Athena Diagnostics
Classification: Benign. Last evaluated: 2018-10-15. Review status: criteria provided, single submitter. Criteria: Athena Diagnostics Criteria. Collection method: clinical testing. Allele origin: germline.

Illumina Laboratory Services, Illumina
Classification: Benign for Cohen syndrome. Last evaluated: 2018-01-13. Review status: criteria provided, single submitter. Criteria: ICSL Variant Classification Criteria 13 December 2019. Collection method: clinical testing. Allele origin: germline.
Comment: This variant was observed in the ICSL laboratory as part of a predisposition screen in an ostensibly healthy population. It had not been previously curated by ICSL or reported in the Human Gene Mutation Database (HGMD: prior to June 1st, 2018), and was therefore a candidate for classification through an automated scoring system. Utilizing variant allele frequency, disease prevalence and penetrance estimates, and inheritance mode, an automated score was calculated to assess if this variant is too frequent to cause the disease. Based on the score and internal cut-off values, a variant classified as benign is not then subjected to further curation. The score for this variant resulted in a classification of benign for this disease.

Ambry Genetics
Classification: Benign for Inborn genetic diseases. Last evaluated: 2017-05-25. Review status: criteria provided, single submitter. Criteria: Ambry Variant Classification Scheme 2023. Collection method: clinical testing. Allele origin: germline.

Center for Pediatric Genomic Medicine, Children's Mercy Hospital and Clinics
Classification: Likely benign. Last evaluated: 2016-10-13. Review status: criteria provided, single submitter. Criteria: ACMG Guidelines, 2015. Collection method: clinical testing. Allele origin: germline.
ClinVar note: Converted during submission from Likely Benign to Likely benign.

Genetic Services Laboratory, University of Chicago
Classification: Benign for AllHighlyPenetrant. Last evaluated: 2014-01-27. Review status: criteria provided, single submitter. Criteria: ACMG Guidelines, 2007. Collection method: clinical testing. Allele origin: germline. Inheritance: Autosomal recessive inheritance.

Breakthrough Genomics
Classification: Likely benign. Review status: criteria provided, single submitter. Criteria: ACMG Guidelines, 2015. Collection method: not provided. Allele origin: germline. Inheritance: Autosomal recessive inheritance. Affected: yes.

PreventionGenetics, part of Exact Sciences
Classification: Likely benign. Review status: criteria provided, single submitter. Criteria: ACMG Guidelines, 2015. Collection method: clinical testing. Allele origin: germline.

Natera, Inc.
Classification: Benign for Cohen syndrome. Last evaluated: 2019-10-17. Review status: no assertion criteria provided. Collection method: clinical testing. Allele origin: germline. Not counted in ClinVar's aggregate classification.

NM_152564.5(VPS13B):c.10049C>T (p.Thr3350Ile)

Gene: VPS13B (vacuolar protein sorting 13 homolog B; plus strand). Cytogenetic location: 8q22.2.
Variant type: single nucleotide variant.
Coding change: c.10049C>T on transcript NM_152564.5 (MANE Select); coding-DNA position 10049, C replaced by T.
Protein change: p.Thr3350Ile; replaces threonine 3350 with isoleucine.
Molecular consequence: missense variant.
Genome position (GRCh38, 1-based): chr8:99,848,882, C>T. VCF-style: chr8-99848882-C-T. GRCh37 (hg19) VCF-style: chr8-100861110-C-T.
Other names: p.Thr3375Ile; c.10124C>T, p.Thr3375Ile (NM_017890.5); short protein forms T3350I, T3375I.
Identifiers: ClinVar variation 130717 (VCV000130717.66), dbSNP rs138127778, ClinGen allele CA155931.
Genomic context (GRCh38, chr8:99,848,882, plus strand): 5'-ATCAGTGTGGCACAGTCTTCATCACTGTGGCCCCAGAAGGAAAAGCAGGACCTATTTTAA[C>T]CAATACCAACAGGTAGGTTTAATTATTTTCCCAGTGACAACATAGTAAGTGTTACTGTTA-3'
Protein context (NP_689777.3, residues 3340-3360): APEGKAGPIL[Thr3350Ile]NTNRAPEKIV